The following is an entry in ClinVar:

Conditions:
Long QT syndrome 5 (LQT5). Identifiers: Orphanet 101016, Orphanet 768, MedGen C1867904, MONDO:0013372, OMIM 613695.

Submission:

Roden Lab, Vanderbilt University Medical Center
No classification provided (evidence only). Condition: Long QT syndrome 5. Review status: no classification provided. Collection method: in vitro. Allele origin: not applicable. Functional consequence: Effect on ion channel function.
ClinVar note: "not provided" was previously submitted as the classification for the variant. However, the classification appeared to be based only on an observation of functional data so it was converted to no classification on 2025-07-30.

NM_000219.6(KCNE1):c.35T>G (p.Phe12Cys)

Gene: KCNE1 (potassium voltage-gated channel subfamily E regulatory subunit 1; minus strand). Cytogenetic location: 21q22.12.
Variant type: single nucleotide variant.
Coding change: c.35T>G on transcript NM_000219.6 (MANE Select); coding-DNA position 35, T replaced by G.
Protein change: p.Phe12Cys; replaces phenylalanine 12 with cysteine.
Molecular consequence: missense variant.
Genome position (GRCh38, 1-based): chr21:34,449,600, A>C on the plus strand (T>G on the coding strand, the complement: KCNE1 is on the minus strand). VCF-style: chr21-34449600-A-C. GRCh37 (hg19) VCF-style: chr21-35821898-A-C.
Other names: c.35T>G, p.Phe12Cys (NM_001127668.4, NM_001127669.4, NM_001127670.4 and 4 more transcripts); short protein forms F12C.
Identifiers: ClinVar variation 3373824 (VCV003373824.2).